The following is an entry in ClinVar:

NC_000011.9:g.(?_111779488)_(111780026_?)del

Gene: CRYAB (crystallin alpha B; minus strand). Cytogenetic location: 11q23.1.
Variant type: Deletion.
Identifiers: ClinVar variation 1455522 (VCV001455522.5).

ClinVar aggregate classification (germline): Pathogenic (1 of 4 stars; one submission).

Conditions:
Dilated cardiomyopathy 1II (CMD1II). Identifiers: Orphanet 154, MedGen C3554649, MONDO:0014073, OMIM 615184.

Submission:

Labcorp Genetics (formerly Invitae), Labcorp
Classification: Pathogenic for Dilated cardiomyopathy 1II. Last evaluated: 2021-11-01. Review status: criteria provided, single submitter. Criteria: Invitae Variant Classification Sherloc (09022015). Collection method: clinical testing. Allele origin: germline.
Comment: For these reasons, this variant has been classified as Pathogenic. This variant disrupts a region of the CRYAB protein in which other variant(s) (p.Ser115Profs*14) have been determined to be pathogenic (PMID: 21130652, 27226619; Invitae). This suggests that this is a clinically significant region of the protein, and that variants that disrupt it are likely to be disease-causing. This variant has not been reported in the literature in individuals affected with CRYAB-related conditions. This variant is a gross deletion of the genomic region encompassing exon(s) 4 of the CRYAB gene, which includes the termination codon. This deletion extends beyond the assayed region for this gene and therefore may encompass additional genes. While this deletion is not anticipated to lead to nonsense mediated decay, it is expected to alter mRNA translation or result in a truncated protein product.

Literature cited by the submitters: PubMed 21130652; PubMed 27226619.